The following is an entry in ClinVar:

ClinVar aggregate classification (germline): Uncertain significance (1 of 4 stars; one submission).

Conditions:
Hypertrophic cardiomyopathy. Also called: HYPERTROPHIC MYOCARDIOPATHY. Identifiers: Orphanet 217569, MedGen C0007194, MeSH D002312, MONDO:0005045, HP:0001639.

Submission:

Labcorp Genetics (formerly Invitae), Labcorp
Classification: Uncertain significance for Hypertrophic cardiomyopathy. Last evaluated: 2026-01-15. Review status: criteria provided, single submitter. Criteria: Invitae Variant Classification Sherloc (09022015). Collection method: clinical testing. Allele origin: germline.
Comment: This sequence change replaces glutamic acid, which is acidic and polar, with alanine, which is neutral and non-polar, at codon 1179 of the MYH7 protein (p.Glu1179Ala). This variant is not present in population databases (gnomAD no frequency). This variant has not been reported in the literature in individuals affected with MYH7-related conditions. Invitae Evidence Modeling of protein sequence and biophysical properties (such as structural, functional, and spatial information, amino acid conservation, physicochemical variation, residue mobility, and thermodynamic stability) indicates that this missense variant is expected to disrupt MYH7 protein function with a positive predictive value of 95%. In summary, the available evidence is currently insufficient to determine the role of this variant in disease. Therefore, it has been classified as a Variant of Uncertain Significance.

NM_000257.4(MYH7):c.3536A>C (p.Glu1179Ala)

Gene: MYH7 (myosin heavy chain 7; minus strand). Cytogenetic location: 14q11.2.
Variant type: single nucleotide variant.
Coding change: c.3536A>C on transcript NM_000257.4 (MANE Select); coding-DNA position 3536, A replaced by C.
Protein change: p.Glu1179Ala; replaces glutamic acid 1179 with alanine.
Molecular consequence: missense variant.
Genome position (GRCh38, 1-based): chr14:23,420,035, T>G on the plus strand (A>C on the coding strand, the complement: MYH7 is on the minus strand). VCF-style: chr14-23420035-T-G. GRCh37 (hg19) VCF-style: chr14-23889244-T-G.
Other names: c.3536A>C, p.Glu1179Ala (NM_001407004.1); short protein forms E1179A.
Identifiers: ClinVar variation 4801929 (VCV004801929.1).
Genomic context (GRCh38, chr14:23,420,035, plus strand): 5'-CTGTCGGCGTGCTTCTTGCGCAGGGCCGCGGCAGTGGCCTCGTGCTGCAGCGTGGCCTCC[T>G]CCAGGTCCCGCCGCATCTTCTGGAACTCGGCCTCGCGCTTCTTGTTCATCTCGATCTGCA-3'
Protein context (NP_000248.2, residues 1169-1189): AEFQKMRRDL[Glu1179Ala]EATLQHEATA